The following is an entry in ClinVar:

NM_003047.5(SLC9A1):c.352+1G>A

Gene: SLC9A1 (solute carrier family 9 member A1; minus strand). Cytogenetic location: 1p36.11.
Variant type: single nucleotide variant.
Coding change: c.352+1G>A on transcript NM_003047.5 (MANE Select); the canonical splice donor site of the intron after coding-DNA position 352, G replaced by A.
Molecular consequence: splice donor variant.
Genome position (GRCh38, 1-based): chr1:27,153,982, C>T on the plus strand (G>A on the coding strand, the complement: SLC9A1 is on the minus strand). VCF-style: chr1-27153982-C-T. GRCh37 (hg19) VCF-style: chr1-27480473-C-T.
Identifiers: ClinVar variation 1708642 (VCV001708642.2), dbSNP rs2521009466, ClinGen allele CA339264971.

ClinVar aggregate classification (germline): Uncertain significance (1 of 4 stars; one submission).

Submission:

GeneDx
Classification: Uncertain significance. Last evaluated: 2022-04-05. Review status: criteria provided, single submitter. Criteria: GeneDx Variant Classification Process June 2021. Collection method: clinical testing. Allele origin: germline. Affected: yes.
Comment: Not observed at significant frequency in large population cohorts (gnomAD); Canonical splice site variant in a gene or region of a gene for which loss of function is not a well-established mechanism of disease; Has not been previously published as pathogenic or benign to our knowledge